The following is an entry in ClinVar:

ClinVar aggregate classification (germline): Uncertain significance (1 of 4 stars; one submission).

Submission:

Labcorp Genetics (formerly Invitae), Labcorp
Classification: Uncertain significance. Last evaluated: 2023-06-09. Review status: criteria provided, single submitter. Criteria: Invitae Variant Classification Sherloc (09022015). Collection method: clinical testing. Allele origin: germline.
Comment: This sequence change replaces valine, which is neutral and non-polar, with isoleucine, which is neutral and non-polar, at codon 989 of the FAT4 protein (p.Val989Ile). This variant has not been reported in the literature in individuals affected with FAT4-related conditions. This variant is not present in population databases (gnomAD no frequency). Advanced modeling of protein sequence and biophysical properties (such as structural, functional, and spatial information, amino acid conservation, physicochemical variation, residue mobility, and thermodynamic stability) performed at Invitae indicates that this missense variant is not expected to disrupt FAT4 protein function. In summary, the available evidence is currently insufficient to determine the role of this variant in disease. Therefore, it has been classified as a Variant of Uncertain Significance.

NM_001291303.3(FAT4):c.2965G>A (p.Val989Ile)

Gene: FAT4 (FAT atypical cadherin 4; plus strand). Cytogenetic location: 4q28.1.
Variant type: single nucleotide variant.
Coding change: c.2965G>A on transcript NM_001291303.3 (MANE Select); coding-DNA position 2965, G replaced by A.
Protein change: p.Val989Ile; replaces valine 989 with isoleucine.
Molecular consequence: missense variant.
Genome position (GRCh38, 1-based): chr4:125,319,376, G>A. VCF-style: chr4-125319376-G-A. GRCh37 (hg19) VCF-style: chr4-126240531-G-A.
Other names: c.2965G>A, p.Val989Ile (NM_001291285.3, NM_024582.6); short protein forms V989I.
Identifiers: ClinVar variation 2871916 (VCV002871916.3), dbSNP rs2530439559, ClinGen allele CA358121477.
Genomic context (GRCh38, chr4:125,319,376, plus strand): 5'-TCTGACATGGGTGTCCCACAGCTCTCCTCTAGTGTCATCTTAACAGTTTATGTCCATGAT[G>A]TAAATGACAATTCACCAGTGTTTGACCAACTCTCTTATGAAGTCACCCTTTCTGAGTCAG-3'
Protein context (NP_001278232.1, residues 979-999): SVILTVYVHD[Val989Ile]NDNSPVFDQL